The following is an entry in ClinVar:

NM_181332.3(NLGN4X):c.1328T>C (p.Leu443Pro)

Gene: NLGN4X (neuroligin 4 X-linked; minus strand). Cytogenetic location: Xp22.32.
Variant type: single nucleotide variant.
Coding change: c.1328T>C on transcript NM_181332.3 (MANE Select); coding-DNA position 1328, T replaced by C.
Protein change: p.Leu443Pro; replaces leucine 443 with proline.
Molecular consequence: missense variant.
Genome position (GRCh38, 1-based): chrX:5,903,350, A>G on the plus strand (T>C on the coding strand, the complement: NLGN4X is on the minus strand). VCF-style: chrX-5903350-A-G. GRCh37 (hg19) VCF-style: chrX-5821391-A-G.
Other names: c.1328T>C, p.Leu443Pro (NM_001282145.2, NM_001282146.2, NM_020742.4); short protein forms L443P.
Identifiers: ClinVar variation 2573899 (VCV002573899.1), dbSNP rs2518445748, ClinGen allele CA412010633.
Genomic context (GRCh38, chrX:5,903,350, plus strand): 5'-TACTGCGCGTGCAGGTCGGCGGTGGCCACGGCGGGGGCCACCCACTGGTGGTCAGTAAAG[A>G]GAGCCACCAGGGTTTTCCGCCGCGTCTCCGGGTTTTCCTTATCGGCCCAGTCTGTGTACA-3'
Protein context (NP_851849.1, residues 433-453): PETRRKTLVA[Leu443Pro]FTDHQWVAPA

ClinVar aggregate classification (germline): Uncertain significance (1 of 4 stars; one submission).

Submission:

GeneDx
Classification: Uncertain significance. Last evaluated: 2023-01-24. Review status: criteria provided, single submitter. Criteria: GeneDx Variant Classification Process June 2021. Collection method: clinical testing. Allele origin: germline. Affected: yes.
Comment: Not observed at significant frequency in large population cohorts (gnomAD); In silico analysis supports that this missense variant has a deleterious effect on protein structure/function; Has not been previously published as pathogenic or benign to our knowledge